The following is an entry in ClinVar:

NM_016818.3(ABCG1):c.1344C>T (p.Phe448=)

Gene: ABCG1 (ATP binding cassette subfamily G member 1; plus strand). Cytogenetic location: 21q22.3.
Variant type: single nucleotide variant.
Coding change: c.1344C>T on transcript NM_016818.3 (MANE Select); coding-DNA position 1344, C replaced by T.
Protein change: p.Phe448=; no amino-acid change (phenylalanine 448 retained).
Molecular consequence: synonymous variant.
Genome position (GRCh38, 1-based): chr21:42,290,169, C>T. VCF-style: chr21-42290169-C-T. GRCh37 (hg19) VCF-style: chr21-43710279-C-T.
Other names: c.1380C>T, p.Phe460= (NM_004915.4); c.1377C>T, p.Phe459= (NM_207174.1); c.1350C>T, p.Phe450= (NM_207627.2); c.1278C>T, p.Phe426= (NM_207628.1); c.1335C>T, p.Phe445= (NM_207629.2).
Identifiers: ClinVar variation 3039074 (VCV003039074.2), dbSNP rs138421137, ClinGen allele CA10041403.

ClinVar aggregate classification (germline): Likely benign (0 of 4 stars; one submission).

Conditions:
ABCG1-related disorder. Also called: ABCG1-related condition.

Allele frequency attached by ClinVar (database versions not stated): 1000 Genomes Project 0.00020; 1000 Genomes Project 30x 0.00031; TOPMed 0.00073; ESP Exome Variant Server 0.00092; ExAC 0.00114; gnomAD exomes 0.00122; gnomAD 0.00146.
gnomAD v4.1: 1,970 of 1,614,198 alleles (0.12%); highest among the groups gnomAD compares: Non-Finnish European, 0.12%; 4 homozygotes.

Submission:

PreventionGenetics, part of Exact Sciences
Classification: Likely benign for ABCG1-related condition. Last evaluated: 2019-07-23. Review status: no assertion criteria provided. Collection method: clinical testing. Allele origin: germline.
Comment: This variant is classified as likely benign based on ACMG/AMP sequence variant interpretation guidelines (Richards et al. 2015 PMID: 25741868, with internal and published modifications).